The following is an entry in ClinVar:

ClinVar aggregate classification (germline): Pathogenic (1 of 4 stars; one submission).

Conditions:
Neurofibromatosis, type 1 (NF1). Also called: Neurofibromatosis, type I; VON RECKLINGHAUSEN DISEASE; NEUROFIBROMATOSIS, TYPE I, SOMATIC; Peripheral type neurofibromatosis. Identifiers: Orphanet 636, MedGen C0027831, MONDO:0018975, OMIM 162200. Disease mechanism: loss of function.

Submission:

Labcorp Genetics (formerly Invitae), Labcorp
Classification: Pathogenic for Neurofibromatosis, type 1. Last evaluated: 2021-12-03. Review status: criteria provided, single submitter. Criteria: Invitae Variant Classification Sherloc (09022015). Collection method: clinical testing. Allele origin: germline.
Comment: This sequence change creates a premature translational stop signal (p.Asn1864Lysfs*28) in the NF1 gene. It is expected to result in an absent or disrupted protein product. Loss-of-function variants in NF1 are known to be pathogenic (PMID: 10712197, 23913538). This variant is not present in population databases (gnomAD no frequency). This variant has not been reported in the literature in individuals affected with NF1-related conditions. For these reasons, this variant has been classified as Pathogenic.

Literature cited by the submitters: PubMed 10712197; PubMed 23913538.

NM_001042492.3(NF1):c.5654dup (p.Asn1885fs)

Gene: NF1 (neurofibromin 1; plus strand). Cytogenetic location: 17q11.2.
Variant type: Duplication.
Coding change: c.5654dup on transcript NM_001042492.3 (MANE Select); coding-DNA position 5654, one base duplicated (A; older notation c.5654dupA).
Protein change: p.Asn1885fs; shifts the reading frame from asparagine 1885.
Molecular consequence: frameshift variant.
Genome position (GRCh38, 1-based): chr17:31,330,340, A duplicated; the last of 2 consecutive A bases (chr17:31,330,339-31,330,340); duplicating either gives the same sequence. VCF-style (leftmost placement, unchanged base first): chr17-31330338-T-TA. GRCh37 (hg19) VCF-style: chr17-29657356-T-TA.
Other names: c.5591dup, p.Asn1864Lysfs (NM_000267.4); short protein forms N1864fs, N1885fs.
Identifiers: ClinVar variation 1452888 (VCV001452888.6), dbSNP rs2151544511, ClinGen allele CA2573153416.